The following is an entry in ClinVar:

NM_000368.5(TSC1):c.1030-7T>C

Gene: TSC1 (TSC complex subunit 1; minus strand). Cytogenetic location: 9q34.13.
Variant type: single nucleotide variant.
Coding change: c.1030-7T>C on transcript NM_000368.5 (MANE Select); 7 bases into the intron before coding-DNA position 1030, T replaced by C.
Molecular consequence: intron variant.
Genome position (GRCh38, 1-based): chr9:132,911,120, A>G on the plus strand (T>C on the coding strand, the complement: TSC1 is on the minus strand). VCF-style: chr9-132911120-A-G. GRCh37 (hg19) VCF-style: chr9-135786507-A-G.
Other names: c.667-7T>C (NM_001362177.2); c.877-7T>C (NM_001162427.2); c.1030-7T>C (NM_001162426.2).
Identifiers: ClinVar variation 1997531 (VCV001997531.2), dbSNP rs2538854499, ClinGen allele CA2580079994.

ClinVar aggregate classification (germline): Conflicting classifications of pathogenicity. Review status: criteria provided, conflicting classifications (1 of 4 stars). 2 submissions from 2 submitters: Uncertain significance (1); Likely benign (1). Last evaluated 2022-05-21.

Conditions:
Tuberous sclerosis 1 (TSC1). Identifiers: Orphanet 805, MedGen C1854465, MONDO:0008612, OMIM 191100.

Submissions (2):

Labcorp Genetics (formerly Invitae), Labcorp
Classification: Uncertain significance for Tuberous sclerosis 1. Last evaluated: 2022-05-21. Review status: criteria provided, single submitter. Criteria: Invitae Variant Classification Sherloc (09022015). Collection method: clinical testing. Allele origin: germline.
Comment: This sequence change falls in intron 10 of the TSC1 gene. It does not directly change the encoded amino acid sequence of the TSC1 protein. This variant is not present in population databases (gnomAD no frequency). This variant has not been reported in the literature in individuals affected with TSC1-related conditions. Algorithms developed to predict the effect of sequence changes on RNA splicing suggest that this variant may disrupt the consensus splice site. In summary, the available evidence is currently insufficient to determine the role of this variant in disease. Therefore, it has been classified as a Variant of Uncertain Significance.

Blueprint Genetics
Classification: Likely benign. Last evaluated: 2021-09-27. Review status: criteria provided, single submitter. Criteria: ACMG Guidelines, 2015. Collection method: clinical testing. Allele origin: germline.